The following is an entry in ClinVar:

NM_006017.3(PROM1):c.850A>C (p.Ser284Arg)

Gene: PROM1 (prominin 1; minus strand). Cytogenetic location: 4p15.32.
Variant type: single nucleotide variant.
Coding change: c.850A>C on transcript NM_006017.3 (MANE Select); coding-DNA position 850, A replaced by C.
Protein change: p.Ser284Arg; replaces serine 284 with arginine.
Molecular consequence: missense variant.
Genome position (GRCh38, 1-based): chr4:16,018,475, T>G on the plus strand (A>C on the coding strand, the complement: PROM1 is on the minus strand). VCF-style: chr4-16018475-T-G. GRCh37 (hg19) VCF-style: chr4-16020098-T-G.
Other names: c.823A>C, p.Ser275Arg (NM_001145847.2, NM_001145848.2, NM_001145851.2 and 4 more transcripts); c.850A>C, p.Ser284Arg (NM_001145849.2, NM_001145850.2); short protein forms S275R, S284R.
Identifiers: ClinVar variation 3682471 (VCV003682471.2).

ClinVar aggregate classification (germline): Uncertain significance (1 of 4 stars; one submission).

Submission:

Labcorp Genetics (formerly Invitae), Labcorp
Classification: Uncertain significance. Last evaluated: 2024-04-25. Review status: criteria provided, single submitter. Criteria: Invitae Variant Classification Sherloc (09022015). Collection method: clinical testing. Allele origin: germline.
Comment: This sequence change replaces serine, which is neutral and polar, with arginine, which is basic and polar, at codon 284 of the PROM1 protein (p.Ser284Arg). This variant is present in population databases (rs752057055, gnomAD 0.007%). This variant has not been reported in the literature in individuals affected with PROM1-related conditions. Advanced modeling of protein sequence and biophysical properties (such as structural, functional, and spatial information, amino acid conservation, physicochemical variation, residue mobility, and thermodynamic stability) has been performed at Invitae for this missense variant, however the output from this modeling did not meet the statistical confidence thresholds required to predict the impact of this variant on PROM1 protein function. In summary, the available evidence is currently insufficient to determine the role of this variant in disease. Therefore, it has been classified as a Variant of Uncertain Significance.